The following is an entry in ClinVar:

NM_014718.4(CLSTN3):c.43G>T (p.Ala15Ser)

Gene: CLSTN3 (calsyntenin 3; plus strand). Cytogenetic location: 12p13.31.
Variant type: single nucleotide variant.
Coding change: c.43G>T on transcript NM_014718.4 (MANE Select); coding-DNA position 43, G replaced by T.
Protein change: p.Ala15Ser; replaces alanine 15 with serine.
Molecular consequence: missense variant.
Genome position (GRCh38, 1-based): chr12:7,130,691, G>T. VCF-style: chr12-7130691-G-T. GRCh37 (hg19) VCF-style: chr12-7283287-G-T.
Other names: short protein forms A15S.
Identifiers: ClinVar variation 3388023 (VCV003388023.14).
Genomic context (GRCh38, chr12:7,130,691, plus strand): 5'-CCTGCCCCACGCCGCACCATGACCCTCCTGCTGCTGCCCCTTCTGCTGGCCTCTCTGCTC[G>T]CGTCCTGCTCCTGTAACAAAGGTGAGTGAGGTGGGGGTGGGGGTACCGAAAGAGGGGCGT-3'
Protein context (NP_055533.2, residues 5-25): LLPLLLASLL[Ala15Ser]SCSCNKANKH

ClinVar aggregate classification (germline): Benign (1 of 4 stars; one submission).

Submission:

CeGaT Center for Human Genetics Tuebingen
Classification: Benign. Last evaluated: 2024-10-01. Review status: criteria provided, single submitter. Criteria: CeGaT Center For Human Genetics Tuebingen Variant Classification Criteria Version 2. Collection method: clinical testing. Allele origin: germline. Affected: yes. Observed: 1 variant allele.
Comment: CLSTN3: BP4, BS1, BS2